The following is an entry in ClinVar:

ClinVar aggregate classification (germline): Uncertain significance (1 of 4 stars; one submission).

gnomAD v4.1: 1 of 1,614,168 alleles (0.000062%); highest among the groups gnomAD compares: Non-Finnish European, 0.000085%; no homozygotes.

Submission:

Ambry Genetics
Classification: Uncertain significance. Last evaluated: 2023-07-26. Review status: criteria provided, single submitter. Criteria: Ambry Variant Classification Scheme 2023. Collection method: clinical testing. Allele origin: germline.
Comment: The p.F22L variant (also known as c.66C>G), located in coding exon 1 of the BUB3 gene, results from a C to G substitution at nucleotide position 66. The phenylalanine at codon 22 is replaced by leucine, an amino acid with highly similar properties. This amino acid position is conserved. In addition, this alteration is predicted to be deleterious by in silico analysis. Since supporting evidence is limited at this time, the clinical significance of this alteration remains unclear.

NM_004725.4(BUB3):c.66C>G (p.Phe22Leu)

Genes: BUB3 (BUB3 mitotic checkpoint protein; plus strand), LOC130004885 (ATAC-STARR-seq lymphoblastoid active region 4151; plus strand). Cytogenetic location: 10q26.13.
Variant type: single nucleotide variant.
Coding change: c.66C>G on transcript NM_004725.4 (MANE Select); coding-DNA position 66, C replaced by G.
Protein change: p.Phe22Leu; replaces phenylalanine 22 with leucine.
Molecular consequence: missense variant.
Genome position (GRCh38, 1-based): chr10:123,154,983, C>G. VCF-style: chr10-123154983-C-G. GRCh37 (hg19) VCF-style: chr10-124914499-C-G.
Other names: c.66C>G, p.Phe22Leu (NM_001007793.3); short protein forms F22L.
Identifiers: ClinVar variation 2621440 (VCV002621440.2), dbSNP rs756472651, ClinGen allele CA378624873.